The following is an entry in ClinVar:

ClinVar aggregate classification (germline): Uncertain significance. Review status: criteria provided, multiple submitters, no conflicts (2 of 4 stars). 3 submissions from 3 submitters: Uncertain significance (3). Last evaluated 2025-03-06.

Conditions:
Fanconi anemia (FA). Also called: Fanconi's anemia. Identifiers: Orphanet 84, MedGen C0015625, MeSH D005199, MONDO:0019391.
Inborn genetic diseases. Identifiers: MedGen C0950123, MeSH D030342.

Allele frequency attached by ClinVar (database versions not stated): ExAC 0.00001; gnomAD 0.00001; TOPMed 0.00001; ESP Exome Variant Server 0.00008.
gnomAD v4.1: 1 of 1,558,934 alleles (0.000064%); highest among the groups gnomAD compares: African/African-American, 0.0014%; no homozygotes.

Submissions (3):

Ambry Genetics
Classification: Uncertain significance for Inborn genetic diseases. Last evaluated: 2025-03-06. Review status: criteria provided, single submitter. Criteria: Ambry Variant Classification Scheme 2023. Collection method: clinical testing. Allele origin: germline.
Comment: The p.D879H variant (also known as c.2635G>C), located in coding exon 14 of the FANCM gene, results from a G to C substitution at nucleotide position 2635. The aspartic acid at codon 879 is replaced by histidine, an amino acid with similar properties. This amino acid position is conserved. In addition, this alteration is predicted to be tolerated by in silico analysis. Based on the available evidence, the clinical significance of this variant remains unclear.

GeneDx
Classification: Uncertain significance. Last evaluated: 2023-10-30. Review status: criteria provided, single submitter. Criteria: GeneDx Variant Classification Process June 2021. Collection method: clinical testing. Allele origin: germline. Affected: yes.
Comment: Not observed at significant frequency in large population cohorts (gnomAD); In silico analysis supports that this missense variant has a deleterious effect on protein structure/function; Has not been previously published as pathogenic or benign to our knowledge

Labcorp Genetics (formerly Invitae), Labcorp
Classification: Uncertain significance for Fanconi anemia. Last evaluated: 2020-05-03. Review status: criteria provided, single submitter. Criteria: Invitae Variant Classification Sherloc (09022015). Collection method: clinical testing. Allele origin: germline.
Comment: This variant has not been reported in the literature in individuals with FANCM-related conditions. This sequence change replaces aspartic acid with histidine at codon 879 of the FANCM protein (p.Asp879His). The aspartic acid residue is weakly conserved and there is a moderate physicochemical difference between aspartic acid and histidine. This variant is present in population databases (rs375959944, ExAC 0.01%). Algorithms developed to predict the effect of missense changes on protein structure and function are either unavailable or do not agree on the potential impact of this missense change (SIFT: "Tolerated"; PolyPhen-2: "Possibly Damaging"; Align-GVGD: "Class C0"). In summary, the available evidence is currently insufficient to determine the role of this variant in disease. Therefore, it has been classified as a Variant of Uncertain Significance.

NM_020937.4(FANCM):c.2635G>C (p.Asp879His)

Gene: FANCM (FA complementation group M; plus strand). Cytogenetic location: 14q21.2.
Variant type: single nucleotide variant.
Coding change: c.2635G>C on transcript NM_020937.4 (MANE Select); coding-DNA position 2635, G replaced by C.
Protein change: p.Asp879His; replaces aspartic acid 879 with histidine.
Molecular consequence: missense variant.
Genome position (GRCh38, 1-based): chr14:45,175,389, G>C. VCF-style: chr14-45175389-G-C. GRCh37 (hg19) VCF-style: chr14-45644592-G-C.
Other names: c.2557G>C, p.Asp853His (NM_001308133.2); c.2635G>C (NM_020937.2); short protein forms D853H, D879H.
Identifiers: ClinVar variation 1036387 (VCV001036387.10), dbSNP rs375959944, ClinGen allele CA7169383.